The following is an entry in ClinVar:

NM_014687.4(RUBCN):c.2644A>G (p.Met882Val)

Gene: RUBCN (rubicon autophagy regulator; minus strand). Cytogenetic location: 3q29.
Variant type: single nucleotide variant.
Coding change: c.2644A>G on transcript NM_014687.4 (MANE Select); coding-DNA position 2644, A replaced by G.
Protein change: p.Met882Val; replaces methionine 882 with valine.
Molecular consequence: missense variant.
Genome position (GRCh38, 1-based): chr3:197,676,887, T>C on the plus strand (A>G on the coding strand, the complement: RUBCN is on the minus strand). VCF-style: chr3-197676887-T-C. GRCh37 (hg19) VCF-style: chr3-197403758-T-C.
Other names: p.Met837Val; c.2509A>G, p.Met837Val (NM_001145642.5); c.2761A>G, p.Met921Val (NM_001346873.2); c.2509A>G (NM_001145642.4); short protein forms M882V, M921V, M837V.
Identifiers: ClinVar variation 2399490 (VCV002399490.4), dbSNP rs374778009, ClinGen allele CA2786508.

ClinVar aggregate classification (germline): Uncertain significance. Review status: criteria provided, multiple submitters, no conflicts (2 of 4 stars). 2 submissions from 2 submitters: Uncertain significance (2). Last evaluated 2024-08-10.

Allele frequency attached by ClinVar (database versions not stated): TOPMed 0.00009; gnomAD exomes 0.00010; gnomAD 0.00013; ExAC 0.00014; ESP Exome Variant Server 0.00016.
gnomAD v4.1: 164 of 1,614,106 alleles (0.01%); highest among the groups gnomAD compares: Non-Finnish European, 0.013%; no homozygotes.

Submissions (2):

Ambry Genetics
Classification: Uncertain significance. Last evaluated: 2024-08-10. Review status: criteria provided, single submitter. Criteria: Ambry Variant Classification Scheme 2023. Collection method: clinical testing. Allele origin: germline.

Mayo Clinic Laboratories, Mayo Clinic
Classification: Uncertain significance. Last evaluated: 2023-02-06. Review status: criteria provided, single submitter. Criteria: ACMG Guidelines, 2015. Collection method: clinical testing. Allele origin: germline. Observed: 1 variant allele.
Comment: BP4